The following is an entry in ClinVar:

ClinVar aggregate classification (germline): Uncertain significance (1 of 4 stars; one submission).

Allele frequency attached by ClinVar (database versions not stated): ExAC 0.00003.

Submission:

Labcorp Genetics (formerly Invitae), Labcorp
Classification: Uncertain significance. Last evaluated: 2026-01-08. Review status: criteria provided, single submitter. Criteria: Invitae Variant Classification Sherloc (09022015). Collection method: clinical testing. Allele origin: germline.
Comment: This sequence change replaces valine, which is neutral and non-polar, with methionine, which is neutral and non-polar, at codon 263 of the IKZF1 protein (p.Val263Met). This variant is present in population databases (rs777862077, gnomAD 0.02%). This variant has not been reported in the literature in individuals affected with IKZF1-related conditions. ClinVar contains an entry for this variant (Variation ID: 2869036). An algorithm developed to predict the effect of missense changes on protein structure and function (PolyPhen-2) suggests that this variant is likely to be tolerated. In summary, the available evidence is currently insufficient to determine the role of this variant in disease. Therefore, it has been classified as a Variant of Uncertain Significance.

NM_006060.6(IKZF1):c.787G>A (p.Val263Met)

Gene: IKZF1 (IKAROS family zinc finger 1; plus strand). Cytogenetic location: 7p12.2.
Variant type: single nucleotide variant.
Coding change: c.787G>A on transcript NM_006060.6 (MANE Select); coding-DNA position 787, G replaced by A.
Protein change: p.Val263Met; replaces valine 263 with methionine.
Molecular consequence: missense variant. On other transcripts: intron variant (3).
Genome position (GRCh38, 1-based): chr7:50,391,800, G>A. VCF-style: chr7-50391800-G-A. GRCh37 (hg19) VCF-style: chr7-50459498-G-A.
Other names: c.661G>A, p.Val221Met (NM_001220765.3, NM_001291837.2); c.526G>A, p.Val176Met (NM_001220767.2, NM_001291838.2); c.400G>A, p.Val134Met (NM_001220770.2, NM_001291839.2); c.358G>A, p.Val120Met (NM_001291841.1, NM_001291842.1); c.232G>A, p.Val78Met (NM_001291843.1, NM_001291844.1); c.847G>A, p.Val283Met (NM_001410879.1); c.590-8118G>A (NM_001220768.2); c.422-8118G>A (NM_001220771.2); and 1 more; short protein forms V134M, V176M, V283M, V78M, V120M, V263M, V221M.
Identifiers: ClinVar variation 2869036 (VCV002869036.3), dbSNP rs777862077, ClinGen allele CA4261395.